The following is an entry in ClinVar:

ClinVar aggregate classification (germline): Uncertain significance. Review status: criteria provided, multiple submitters, no conflicts (2 of 4 stars). 3 submissions from 3 submitters: Uncertain significance (3). Last evaluated 2025-09-09.

Allele frequency attached by ClinVar (database versions not stated): gnomAD exomes 0.00002; gnomAD 0.00003; TOPMed 0.00003; ExAC 0.00005.
gnomAD v4.1: 38 of 1,585,582 alleles (0.0024%); highest among the groups gnomAD compares: Admixed American, 0.011%; no homozygotes.

Submissions (3):

Ambry Genetics
Classification: Uncertain significance. Last evaluated: 2025-09-09. Review status: criteria provided, single submitter. Criteria: Ambry Variant Classification Scheme 2023. Collection method: clinical testing. Allele origin: germline.

Labcorp Genetics (formerly Invitae), Labcorp
Classification: Uncertain significance. Last evaluated: 2024-02-08. Review status: criteria provided, single submitter. Criteria: Invitae Variant Classification Sherloc (09022015). Collection method: clinical testing. Allele origin: germline.
Comment: This sequence change replaces arginine, which is basic and polar, with histidine, which is basic and polar, at codon 790 of the PITRM1 protein (p.Arg790His). This variant is present in population databases (rs775017537, gnomAD 0.01%). This variant has not been reported in the literature in individuals affected with PITRM1-related conditions. ClinVar contains an entry for this variant (Variation ID: 2515890). Algorithms developed to predict the effect of missense changes on protein structure and function output the following: SIFT: "Not Available"; PolyPhen-2: "Benign"; Align-GVGD: "Not Available". The histidine amino acid residue is found in multiple mammalian species, which suggests that this missense change does not adversely affect protein function. In summary, the available evidence is currently insufficient to determine the role of this variant in disease. Therefore, it has been classified as a Variant of Uncertain Significance.

Blueprint Genetics
Classification: Uncertain significance. Last evaluated: 2023-11-09. Review status: criteria provided, single submitter. Criteria: ACMG Guidelines, 2015. Collection method: clinical testing. Allele origin: germline.

NM_014889.4(PITRM1):c.2663G>A (p.Arg888His)

Gene: PITRM1 (pitrilysin metallopeptidase 1; minus strand). Cytogenetic location: 10p15.2.
Variant type: single nucleotide variant.
Coding change: c.2663G>A on transcript NM_014889.4 (MANE Select); coding-DNA position 2663, G replaced by A.
Protein change: p.Arg888His; replaces arginine 888 with histidine.
Molecular consequence: missense variant. On other transcripts: non-coding transcript variant (4).
Genome position (GRCh38, 1-based): chr10:3,140,795, C>T on the plus strand (G>A on the coding strand, the complement: PITRM1 is on the minus strand). VCF-style: chr10-3140795-C-T. GRCh37 (hg19) VCF-style: chr10-3182987-C-T.
Other names: c.2666G>A, p.Arg889His (NM_001242307.2); c.2369G>A, p.Arg790His (NM_001242309.1); c.2465G>A, p.Arg822His (NM_001347725.2); c.1850G>A, p.Arg617His (NM_001347726.2); c.2048G>A, p.Arg683His (NM_001347727.2); c.1358G>A, p.Arg453His (NM_001347728.2); c.2639G>A, p.Arg880His (NM_001347729.1); c.2441G>A, p.Arg814His (NM_001347730.1); short protein forms R453H, R683H, R790H, R814H, R880H, R617H, R822H, R888H.
Identifiers: ClinVar variation 2515890 (VCV002515890.6), dbSNP rs775017537, ClinGen allele CA5387257.
Genomic context (GRCh38, chr10:3,140,795, plus strand): 5'-CCACCATAAGCACCGCCTTTTTCTCGAATTTCTGTATGCAAGAATTTGGCAGTCATCAAA[C>T]GTGCAAGGATTTTAAGACTGAAATGATTAAAAAATGCAAGTTAATACCGTGGCTGATAAA-3'
Protein context (NP_055704.2, residues 878-898): PDHASLKILA[Arg888His]LMTAKFLHTE